The following is an entry in ClinVar:

NM_004370.6(COL12A1):c.8828C>T (p.Pro2943Leu)

Gene: COL12A1 (collagen type XII alpha 1 chain; minus strand). Cytogenetic location: 6q13.
Variant type: single nucleotide variant.
Coding change: c.8828C>T on transcript NM_004370.6 (MANE Select); coding-DNA position 8828, C replaced by T.
Protein change: p.Pro2943Leu; replaces proline 2943 with leucine.
Molecular consequence: missense variant.
Genome position (GRCh38, 1-based): chr6:75,090,223, G>A on the plus strand (C>T on the coding strand, the complement: COL12A1 is on the minus strand). VCF-style: chr6-75090223-G-A. GRCh37 (hg19) VCF-style: chr6-75799939-G-A.
Other names: c.5336C>T, p.Pro1779Leu (NM_080645.3); short protein forms P1779L, P2943L.
Identifiers: ClinVar variation 2169813 (VCV002169813.6), dbSNP rs771043432, ClinGen allele CA3892103.
Genomic context (GRCh38, chr6:75,090,223, plus strand): 5'-CCCCCAGGCCCAGGTTCTCCTCTGGCTCCTGCGCTACCAGGAGGTCCCGGTGGACCCGGC[G>A]GGCCTGGCTGGTTGCGACTGGACTGGTAATCATTTGGAATCTGATTCAGCATCTGATTGA-3'
Protein context (NP_004361.3, residues 2933-2953): DYQSSRNQPG[Pro2943Leu]PGPPGPPGSA

ClinVar aggregate classification (germline): Uncertain significance. Review status: criteria provided, multiple submitters, no conflicts (2 of 4 stars). 2 submissions from 2 submitters: Uncertain significance (2). Last evaluated 2025-04-17.

Conditions:
Ullrich congenital muscular dystrophy 2 (UCMD2). Identifiers: Orphanet 75840, MedGen C4225314, MONDO:0014654, OMIM 616470.
Bethlem myopathy 2 (BTHLM2). Identifiers: Orphanet 536516, Orphanet 610, MedGen C4225313, MONDO:0034022, OMIM 616471.

Allele frequency attached by ClinVar (database versions not stated): gnomAD exomes 0.00001; TOPMed below 0.00001; ExAC 0.00001; gnomAD 0.00001.
gnomAD v4.1: 18 of 1,613,892 alleles (0.0011%); highest among the groups gnomAD compares: Admixed American, 0.0033%; no homozygotes.

Submissions (2):

Women's Health and Genetics/Laboratory Corporation of America, LabCorp
Classification: Uncertain significance. Last evaluated: 2025-04-17. Review status: criteria provided, single submitter. Criteria: LabCorp Variant Classification Summary - May 2015. Collection method: clinical testing. Allele origin: germline.
Comment: Variant summary: COL12A1 c.8828C>T (p.Pro2943Leu) results in a non-conservative amino acid change in the encoded protein sequence. Five of five in-silico tools predict a damaging effect of the variant on protein function. The variant allele was found at a frequency of 1.6e-05 in 249438 control chromosomes (gnomAD). c.8828C>T has been observed in at least an individual affected with clinical features of Ullrich congenital muscular dystrophy (Naghipoor_2023). These data indicate that the variant may be associated with disease. To our knowledge, no experimental evidence demonstrating an impact on protein function has been reported. The following publication has been ascertained in the context of this evaluation (PMID: 37458870). ClinVar contains an entry for this variant (Variation ID: 2169813). Based on the evidence outlined above, the variant was classified as VUS-possibly pathogenic.

Labcorp Genetics (formerly Invitae), Labcorp
Classification: Uncertain significance for Bethlem myopathy 2; Ullrich congenital muscular dystrophy 2. Last evaluated: 2025-03-09. Review status: criteria provided, single submitter. Criteria: Invitae Variant Classification Sherloc (09022015). Collection method: clinical testing. Allele origin: germline.
Comment: This sequence change replaces proline, which is neutral and non-polar, with leucine, which is neutral and non-polar, at codon 2943 of the COL12A1 protein (p.Pro2943Leu). This variant is present in population databases (rs771043432, gnomAD 0.006%). This missense change has been observed in individual(s) with clinical features of autosomal recessive COL12A1-related conditions (PMID: 37458870). ClinVar contains an entry for this variant (Variation ID: 2169813). An algorithm developed to predict the effect of missense changes on protein structure and function (PolyPhen-2) suggests that this variant is likely to be disruptive. In summary, the available evidence is currently insufficient to determine the role of this variant in disease. Therefore, it has been classified as a Variant of Uncertain Significance.

Literature cited by the submitters: PubMed 37458870 (cited by Women's Health and Genetics/Laboratory Corporation of America, LabCorp and Labcorp Genetics (formerly Invitae), Labcorp).